The following is an entry in ClinVar:

ClinVar aggregate classification (germline): Uncertain significance. Review status: criteria provided, single submitter (1 of 4 stars). 2 submissions from 2 submitters: Uncertain significance (1). 1 of the submissions does not count toward it. Last evaluated 2024-12-11.

Conditions:
PCNT-related disorder. Also called: PCNT-related condition.
Inborn genetic diseases. Identifiers: MedGen C0950123, MeSH D030342.

gnomAD v4.1: 4 of 1,607,120 alleles (0.00025%); highest among the groups gnomAD compares: African/African-American, 0.0053%; no homozygotes.

Submissions (2):

Ambry Genetics
Classification: Uncertain significance for Inborn genetic diseases. Last evaluated: 2024-12-11. Review status: criteria provided, single submitter. Criteria: Ambry Variant Classification Scheme 2023. Collection method: clinical testing. Allele origin: germline.

PreventionGenetics, part of Exact Sciences
Classification: Uncertain significance for PCNT-related condition. Last evaluated: 2024-04-26. Review status: no assertion criteria provided. Collection method: clinical testing. Allele origin: germline. Not counted in ClinVar's aggregate classification.
Comment: The PCNT c.6950C>T variant is predicted to result in the amino acid substitution p.Thr2317Ile. To our knowledge, this variant has not been reported in the literature. This variant is reported in 0.0062% of alleles in individuals of African descent in gnomAD. At this time, the clinical significance of this variant is uncertain due to the absence of conclusive functional and genetic evidence.

NM_006031.6(PCNT):c.6950C>T (p.Thr2317Ile)

Gene: PCNT (pericentrin; plus strand). Cytogenetic location: 21q22.3.
Variant type: single nucleotide variant.
Coding change: c.6950C>T on transcript NM_006031.6 (MANE Select); coding-DNA position 6950, C replaced by T.
Protein change: p.Thr2317Ile; replaces threonine 2317 with isoleucine.
Molecular consequence: missense variant.
Genome position (GRCh38, 1-based): chr21:46,418,232, C>T. VCF-style: chr21-46418232-C-T. GRCh37 (hg19) VCF-style: chr21-47838146-C-T.
Other names: c.6596C>T, p.Thr2199Ile (NM_001315529.2); short protein forms T2199I, T2317I.
Identifiers: ClinVar variation 3353014 (VCV003353014.2).
Genomic context (GRCh38, chr21:46,418,232, plus strand): 5'-TATTTTATGACCATTTAAAAATCTCTTAACAGGAGAAAGATGTCGAAGATTTTATCACAA[C>T]ATCCTTTGATTCTCAAGAAACATTAAGTTCACCTCCTCCTGGATTAGAAGGAAAAGCTGA-3'
Protein context (NP_006022.3, residues 2307-2327): VEKDVEDFIT[Thr2317Ile]SFDSQETLSS